The following is an entry in ClinVar:

NM_199420.4(POLQ):c.4757T>C (p.Val1586Ala)

Gene: POLQ (DNA polymerase theta; minus strand). Cytogenetic location: 3q13.33.
Variant type: single nucleotide variant.
Coding change: c.4757T>C on transcript NM_199420.4 (MANE Select); coding-DNA position 4757, T replaced by C.
Protein change: p.Val1586Ala; replaces valine 1586 with alanine.
Molecular consequence: missense variant.
Genome position (GRCh38, 1-based): chr3:121,488,174, A>G on the plus strand (T>C on the coding strand, the complement: POLQ is on the minus strand). VCF-style: chr3-121488174-A-G. GRCh37 (hg19) VCF-style: chr3-121207021-A-G.
Other names: short protein forms V1586A.
Identifiers: ClinVar variation 2448937 (VCV002448937.3), dbSNP rs1242241093, ClinGen allele CA354093934.

ClinVar aggregate classification (germline): Uncertain significance (1 of 4 stars; one submission).

Allele frequency attached by ClinVar (database versions not stated): gnomAD 0.00001; TOPMed 0.00002.
gnomAD v4.1: 18 of 1,613,440 alleles (0.0011%); highest among the groups gnomAD compares: Non-Finnish European, 0.0014%; no homozygotes.

Submission:

Ambry Genetics
Classification: Uncertain significance. Last evaluated: 2024-11-15. Review status: criteria provided, single submitter. Criteria: Ambry Variant Classification Scheme 2023. Collection method: clinical testing. Allele origin: germline.
Comment: The p.V1586A variant (also known as c.4757T>C), located in coding exon 16 of the POLQ gene, results from a T to C substitution at nucleotide position 4757. The valine at codon 1586 is replaced by alanine, an amino acid with similar properties. This amino acid position is conserved. In addition, this alteration is predicted to be tolerated by in silico analysis. Since supporting evidence is limited at this time, the clinical significance of this alteration remains unclear.